The following is an entry in ClinVar:

ClinVar aggregate classification (germline): Uncertain significance. Review status: criteria provided, multiple submitters, no conflicts (2 of 4 stars). 3 submissions from 3 submitters: Uncertain significance (3). Last evaluated 2023-08-28.

Allele frequency attached by ClinVar (database versions not stated): gnomAD below 0.00001 and 0.00001; TOPMed below 0.00001; gnomAD exomes 0.00009; ExAC 0.00011.

Submissions (3):

Blueprint Genetics
Classification: Uncertain significance. Last evaluated: 2023-08-28. Review status: criteria provided, single submitter. Criteria: ACMG Guidelines, 2015. Collection method: clinical testing. Allele origin: germline.

Revvity Omics, Revvity
Classification: Uncertain significance. Last evaluated: 2022-10-18. Review status: criteria provided, single submitter. Criteria: ACMG Guidelines, 2015. Collection method: clinical testing. Allele origin: germline.

Labcorp Genetics (formerly Invitae), Labcorp
Classification: Uncertain significance. Last evaluated: 2021-08-31. Review status: criteria provided, single submitter. Criteria: Invitae Variant Classification Sherloc (09022015). Collection method: clinical testing. Allele origin: germline.
Comment: This sequence change replaces glutamic acid with lysine at codon 2232 of the ABCA4 protein (p.Glu2232Lys). The glutamic acid residue is highly conserved and there is a small physicochemical difference between glutamic acid and lysine. This variant is present in population databases (rs774350716, ExAC 0.07%). This missense change has been observed in individual(s) with ABCA4-related conditions (PMID: 28327576, 28446513). Algorithms developed to predict the effect of missense changes on protein structure and function (SIFT, PolyPhen-2, Align-GVGD) all suggest that this variant is likely to be disruptive. In summary, the available evidence is currently insufficient to determine the role of this variant in disease. Therefore, it has been classified as a Variant of Uncertain Significance.

Literature cited by the submitters: PubMed 28327576 (cited by Labcorp Genetics (formerly Invitae), Labcorp); PubMed 28446513 (cited by Labcorp Genetics (formerly Invitae), Labcorp).

NM_000350.3(ABCA4):c.6694G>A (p.Glu2232Lys)

Gene: ABCA4 (ATP binding cassette subfamily A member 4; minus strand). Cytogenetic location: 1p22.1.
Variant type: single nucleotide variant.
Coding change: c.6694G>A on transcript NM_000350.3 (MANE Select); coding-DNA position 6694, G replaced by A.
Protein change: p.Glu2232Lys; replaces glutamic acid 2232 with lysine.
Molecular consequence: missense variant.
Genome position (GRCh38, 1-based): chr1:93,997,896, C>T on the plus strand (G>A on the coding strand, the complement: ABCA4 is on the minus strand). VCF-style: chr1-93997896-C-T. GRCh37 (hg19) VCF-style: chr1-94463452-C-T.
Other names: c.6472G>A, p.Glu2158Lys (NM_001425324.1); short protein forms E2232K, E2158K.
Identifiers: ClinVar variation 948653 (VCV000948653.10), dbSNP rs774350716, ClinGen allele CA956824.